The following is an entry in ClinVar:

NM_021067.5(GINS1):c.158G>A (p.Gly53Asp)

Gene: GINS1 (GINS complex subunit 1; plus strand). Cytogenetic location: 20p11.21.
Variant type: single nucleotide variant.
Coding change: c.158G>A on transcript NM_021067.5 (MANE Select); coding-DNA position 158, G replaced by A.
Protein change: p.Gly53Asp; replaces glycine 53 with aspartic acid.
Molecular consequence: missense variant. On other transcripts: non-coding transcript variant (1).
Genome position (GRCh38, 1-based): chr20:25,417,121, G>A. VCF-style: chr20-25417121-G-A. GRCh37 (hg19) VCF-style: chr20-25397757-G-A.
Other names: short protein forms G53D.
Identifiers: ClinVar variation 1419758 (VCV001419758.6), dbSNP rs202022284, ClinGen allele CA9796443.
Genomic context (GRCh38, chr20:25,417,121, plus strand): 5'-CTGAAAAGTACATATTTTTTTTCTTTTTAAATGCTCCTATCAGGAATGAAGCAAAGTCAG[G>A]TGGACGAAGTGATTTGATACCAACTATCAAATTTCGACACTGTTCTCTGTTAAGAAATCG-3'
Protein context (NP_066545.3, residues 43-63): NQSDVNEAKS[Gly53Asp]GRSDLIPTIK

ClinVar aggregate classification (germline): Uncertain significance (1 of 4 stars; one submission).

Allele frequency attached by ClinVar (database versions not stated): gnomAD exomes below 0.00001 and 0.00001; gnomAD 0.00001; ExAC 0.00002; 1000 Genomes Project 30x 0.00016; 1000 Genomes Project 0.00020.
gnomAD v4.1: 18 of 1,566,680 alleles (0.0011%); highest among the groups gnomAD compares: Middle Eastern, 0.017%; no homozygotes.

Submission:

Labcorp Genetics (formerly Invitae), Labcorp
Classification: Uncertain significance. Last evaluated: 2025-05-15. Review status: criteria provided, single submitter. Criteria: Invitae Variant Classification Sherloc (09022015). Collection method: clinical testing. Allele origin: germline.
Comment: This sequence change replaces glycine, which is neutral and non-polar, with aspartic acid, which is acidic and polar, at codon 53 of the GINS1 protein (p.Gly53Asp). This variant is present in population databases (rs202022284, gnomAD 0.007%). This variant has not been reported in the literature in individuals affected with GINS1-related conditions. ClinVar contains an entry for this variant (Variation ID: 1419758). An algorithm developed to predict the effect of missense changes on protein structure and function outputs the following: PolyPhen-2: "Benign". The aspartic acid amino acid residue is found in multiple mammalian species, which suggests that this missense change does not adversely affect protein function. In summary, the available evidence is currently insufficient to determine the role of this variant in disease. Therefore, it has been classified as a Variant of Uncertain Significance.